The following is an entry in ClinVar:

ClinVar aggregate classification (germline): Uncertain significance (1 of 4 stars; one submission).

Conditions:
Merosin deficient congenital muscular dystrophy (MDC1A). Also called: Congenital Muscular Dystrophy Type 1A (MDC1A); Congenital merosin-deficient muscular dystrophy 1A. Identifiers: Orphanet 258, MedGen C1263858, MONDO:0011925, OMIM 607855.
Muscular dystrophy, limb-girdle, autosomal recessive 23. Identifiers: Orphanet 565837, MedGen C4748327, MONDO:0029136, OMIM 618138.

Submission:

Juno Genomics, Hangzhou Juno Genomics, Inc
Classification: Uncertain significance for Merosin deficient congenital muscular dystrophy; Muscular dystrophy, limb-girdle, autosomal recessive 23. Review status: criteria provided, single submitter. Criteria: ACMG Guidelines, 2015. Collection method: clinical testing. Allele origin: germline. Affected: yes.
Comment: Absent from controls (or at extremely low frequency if recessive) in Genome Aggregation Database, Exome Sequencing Project, 1000 Genomes Project, or Exome Aggregation Consortium.;For recessive disorders, detected in trans with a pathogenic variant.;Patient's phenotype or family history is highly specific for a disease with a single genetic etiology.;Null variant in a gene where loss of function (LOF) is a known mechanism of disease.

NM_000426.4(LAMA2):c.5562+1G>T

Gene: LAMA2 (laminin subunit alpha 2; plus strand). Cytogenetic location: 6q22.33.
Variant type: single nucleotide variant.
Coding change: c.5562+1G>T on transcript NM_000426.4 (MANE Select); the canonical splice donor site of the intron after coding-DNA position 5562, G replaced by T.
Molecular consequence: splice donor variant.
Genome position (GRCh38, 1-based): chr6:129,401,341, G>T. VCF-style: chr6-129401341-G-T. GRCh37 (hg19) VCF-style: chr6-129722486-G-T.
Other names: c.5562+1G>T (NM_001079823.2).
Identifiers: ClinVar variation 3764687 (VCV003764687.2).